The following is an entry in ClinVar:

NM_001130987.2(DYSF):c.2982C>T (p.Asn994=)

Gene: DYSF (dysferlin; plus strand). Cytogenetic location: 2p13.2.
Variant type: single nucleotide variant.
Coding change: c.2982C>T on transcript NM_001130987.2 (MANE Select); coding-DNA position 2982, C replaced by T.
Protein change: p.Asn994=; no amino-acid change (asparagine 994 retained).
Molecular consequence: synonymous variant.
Genome position (GRCh38, 1-based): chr2:71,570,231, C>T. VCF-style: chr2-71570231-C-T. GRCh37 (hg19) VCF-style: chr2-71797361-C-T.
Other names: c.2931C>T, p.Asn977= (NM_001130455.2, NM_001130983.2); c.2886C>T, p.Asn962= (NM_001130976.2, NM_001130977.2); c.2928C>T, p.Asn976= (NM_001130978.2, NM_003494.4); c.3021C>T, p.Asn1007= (NM_001130979.2); c.2979C>T, p.Asn993= (NM_001130980.2, NM_001130981.2); c.3024C>T, p.Asn1008= (NM_001130982.2); c.2889C>T, p.Asn963= (NM_001130984.2, NM_001130986.2); c.2982C>T, p.Asn994= (NM_001130985.2).
Identifiers: ClinVar variation 499191 (VCV000499191.61), dbSNP rs142404822, ClinGen allele CA1706362.

ClinVar aggregate classification (germline): Conflicting classifications of pathogenicity. Review status: criteria provided, conflicting classifications (1 of 4 stars). 8 submissions from 8 submitters: Uncertain significance (3); Benign (1); Likely benign (2). 2 of the submissions do not count toward it. Last evaluated 2026-01-26.

Conditions:
DYSF-related disorder. Also called: DYSF-related condition; DYSF-related disorders.
Neuromuscular disease caused by qualitative or quantitative defects of dysferlin. Also called: Qualitative or quantitative defects of dysferlin; Dysferlinopathy. Identifiers: Orphanet 207073, MedGen C2931687, MONDO:0016145.
Autosomal recessive limb-girdle muscular dystrophy type 2B (LGMDR2). Also called: Limb-girdle muscular dystrophy, type 2B; MUSCULAR DYSTROPHY, LIMB-GIRDLE, AUTOSOMAL RECESSIVE 2; Limb-Girdle Muscular Dystrophy Type 2B (LGMD2B); MUSCULAR DYSTROPHY, LIMB-GIRDLE, TYPE 3. Identifiers: Orphanet 268, MedGen C1850889, MONDO:0009676, OMIM 253601.
Miyoshi muscular dystrophy 1 (MMD1). Identifiers: Orphanet 45448, MedGen C4551973, MONDO:0024545, OMIM 254130.

Allele frequency attached by ClinVar (database versions not stated): gnomAD exomes 0.00011 and 0.00027; ExAC 0.00031; gnomAD 0.00093 and 0.00098; 1000 Genomes Project 30x 0.00094; TOPMed 0.00105; 1000 Genomes Project 0.00120; ESP Exome Variant Server 0.00123.
gnomAD v4.1: 310 of 1,613,892 alleles (0.019%); highest among the groups gnomAD compares: African/African-American, 0.33%; no homozygotes.

Submissions (8):

Labcorp Genetics (formerly Invitae), Labcorp
Classification: Benign for Neuromuscular disease caused by qualitative or quantitative defects of dysferlin. Last evaluated: 2026-01-26. Review status: criteria provided, single submitter. Criteria: Invitae Variant Classification Sherloc (09022015). Collection method: clinical testing. Allele origin: germline.

Blueprint Genetics
Classification: Likely benign. Last evaluated: 2024-10-18. Review status: criteria provided, single submitter. Criteria: ACMG Guidelines, 2015. Collection method: clinical testing. Allele origin: germline.

Pars Genome Lab
Classification: Uncertain significance for Miyoshi muscular dystrophy 1. Last evaluated: 2021-05-18. Review status: criteria provided, single submitter. Criteria: ACMG Guidelines, 2015. Collection method: clinical testing. Allele origin: germline. Affected: no.

GeneDx
Classification: Likely benign. Last evaluated: 2019-11-06. Review status: criteria provided, single submitter. Criteria: GeneDx Variant Classification Process June 2021. Collection method: clinical testing. Allele origin: germline. Affected: yes.

Illumina Laboratory Services, Illumina
Classification: Uncertain significance for Qualitative or quantitative defects of dysferlin. Last evaluated: 2018-01-13. Review status: criteria provided, single submitter. Criteria: ICSL Variant Classification Criteria 13 December 2019. Collection method: clinical testing. Allele origin: germline.

Eurofins Ntd Llc (ga)
Classification: Uncertain significance. Last evaluated: 2017-09-25. Review status: criteria provided, single submitter. Criteria: EGL Classification Definitions 2015. Collection method: clinical testing. Allele origin: germline. Observed: 3 variant alleles, 3 heterozygotes.

Natera, Inc.
Classification: Likely benign for Limb-girdle muscular dystrophy type 2B. Last evaluated: 2019-10-24. Review status: no assertion criteria provided. Collection method: clinical testing. Allele origin: germline. Not counted in ClinVar's aggregate classification.

PreventionGenetics, part of Exact Sciences
Classification: Likely benign for DYSF-related condition. Last evaluated: 2019-03-22. Review status: no assertion criteria provided. Collection method: clinical testing. Allele origin: germline. Not counted in ClinVar's aggregate classification.
Comment: This variant is classified as likely benign based on ACMG/AMP sequence variant interpretation guidelines (Richards et al. 2015 PMID: 25741868, with internal and published modifications).